The following is an entry in ClinVar:

NM_006445.4(PRPF8):c.1777C>T (p.Arg593Ter)

Gene: PRPF8 (pre-mRNA processing factor 8; minus strand). Cytogenetic location: 17p13.3.
Variant type: single nucleotide variant.
Coding change: c.1777C>T on transcript NM_006445.4 (MANE Select); coding-DNA position 1777, C replaced by T.
Protein change: p.Arg593Ter; replaces arginine 593 with a stop codon.
Molecular consequence: nonsense.
Genome position (GRCh38, 1-based): chr17:1,678,595, G>A on the plus strand (C>T on the coding strand, the complement: PRPF8 is on the minus strand). VCF-style: chr17-1678595-G-A. GRCh37 (hg19) VCF-style: chr17-1581889-G-A.
Other names: short protein forms R593*.
Identifiers: ClinVar variation 2736782 (VCV002736782.3), dbSNP rs2543773918, ClinGen allele CA397558414.

ClinVar aggregate classification (germline): Pathogenic (1 of 4 stars; one submission).

Allele frequency attached by ClinVar (database versions not stated): gnomAD exomes below 0.00001.
gnomAD v4.1: 1 of 1,614,188 alleles (0.000062%); highest among the groups gnomAD compares: Non-Finnish European, 0.000085%; no homozygotes.

Submission:

Labcorp Genetics (formerly Invitae), Labcorp
Classification: Pathogenic. Last evaluated: 2023-11-07. Review status: criteria provided, single submitter. Criteria: Invitae Variant Classification Sherloc (09022015). Collection method: clinical testing. Allele origin: germline.
Comment: This sequence change creates a premature translational stop signal (p.Arg593*) in the PRPF8 gene. It is expected to result in an absent or disrupted protein product. Loss-of-function variants in PRPF8 are known to be pathogenic (PMID: 27208204, 31054281, 33946315). This variant is not present in population databases (gnomAD no frequency). This premature translational stop signal has been observed in individual(s) with retinitis pigmentosa (PMID: 33946315). For these reasons, this variant has been classified as Pathogenic.

Literature cited by the submitters: PubMed 27208204; PubMed 31054281; PubMed 33946315.